The following is an entry in ClinVar:

ClinVar aggregate classification (germline): Uncertain significance. Review status: criteria provided, multiple submitters, no conflicts (2 of 4 stars). 2 submissions from 2 submitters: Uncertain significance (2). Last evaluated 2026-02-14.

Conditions:
Fanconi anemia (FA). Also called: Fanconi's anemia. Identifiers: Orphanet 84, MedGen C0015625, MeSH D005199, MONDO:0019391.
Inborn genetic diseases. Identifiers: MedGen C0950123, MeSH D030342.

Submissions (2):

Ambry Genetics
Classification: Uncertain significance for Inborn genetic diseases. Last evaluated: 2026-02-14. Review status: criteria provided, single submitter. Criteria: Ambry Variant Classification Scheme 2023. Collection method: clinical testing. Allele origin: germline.
Comment: The p.Y551H variant (also known as c.1651T>C), located in coding exon 13 of the FANCG gene, results from a T to C substitution at nucleotide position 1651. The tyrosine at codon 551 is replaced by histidine, an amino acid with similar properties. This amino acid position is conserved. In addition, this alteration is predicted to be tolerated by in silico analysis. Based on the available evidence, the clinical significance of this variant remains unclear.

Labcorp Genetics (formerly Invitae), Labcorp
Classification: Uncertain significance for Fanconi anemia. Last evaluated: 2023-12-02. Review status: criteria provided, single submitter. Criteria: Invitae Variant Classification Sherloc (09022015). Collection method: clinical testing. Allele origin: germline.
Comment: This sequence change replaces tyrosine, which is neutral and polar, with histidine, which is basic and polar, at codon 551 of the FANCG protein (p.Tyr551His). This variant is not present in population databases (gnomAD no frequency). This variant has not been reported in the literature in individuals affected with FANCG-related conditions. Advanced modeling of protein sequence and biophysical properties (such as structural, functional, and spatial information, amino acid conservation, physicochemical variation, residue mobility, and thermodynamic stability) performed at Invitae indicates that this missense variant is not expected to disrupt FANCG protein function with a negative predictive value of 80%. In summary, the available evidence is currently insufficient to determine the role of this variant in disease. Therefore, it has been classified as a Variant of Uncertain Significance.

NM_004629.2(FANCG):c.1651T>C (p.Tyr551His)

Gene: FANCG (FA complementation group G; minus strand). Cytogenetic location: 9p13.3.
Variant type: single nucleotide variant.
Coding change: c.1651T>C on transcript NM_004629.2 (MANE Select); coding-DNA position 1651, T replaced by C.
Protein change: p.Tyr551His; replaces tyrosine 551 with histidine.
Molecular consequence: missense variant.
Genome position (GRCh38, 1-based): chr9:35,074,480, A>G on the plus strand (T>C on the coding strand, the complement: FANCG is on the minus strand). VCF-style: chr9-35074480-A-G. GRCh37 (hg19) VCF-style: chr9-35074477-A-G.
Other names: short protein forms Y551H.
Identifiers: ClinVar variation 3006409 (VCV003006409.4), dbSNP rs2490393783, ClinGen allele CA373301273.